The following is an entry in ClinVar:

NM_001003800.2(BICD2):c.700G>A (p.Glu234Lys)

Gene: BICD2 (BICD cargo adaptor 2; minus strand). Cytogenetic location: 9q22.31.
Variant type: single nucleotide variant.
Coding change: c.700G>A on transcript NM_001003800.2 (MANE Select); coding-DNA position 700, G replaced by A.
Protein change: p.Glu234Lys; replaces glutamic acid 234 with lysine.
Molecular consequence: missense variant.
Genome position (GRCh38, 1-based): chr9:92,720,662, C>T on the plus strand (G>A on the coding strand, the complement: BICD2 is on the minus strand). VCF-style: chr9-92720662-C-T. GRCh37 (hg19) VCF-style: chr9-95482944-C-T.
Other names: c.700G>A, p.Glu234Lys (NM_015250.4); short protein forms E234K.
Identifiers: ClinVar variation 1756677 (VCV001756677.2), dbSNP rs2490452739, ClinGen allele CA374043981.

ClinVar aggregate classification (germline): Uncertain significance (1 of 4 stars; one submission).

Conditions:
Inborn genetic diseases. Identifiers: MedGen C0950123, MeSH D030342.

Allele frequency attached by ClinVar (database versions not stated): gnomAD exomes below 0.00001.
gnomAD v4.1: 2 of 1,614,214 alleles (0.00012%); highest among the groups gnomAD compares: Middle Eastern, 0.016%; no homozygotes.

Submission:

Ambry Genetics
Classification: Uncertain significance for Inborn genetic diseases. Last evaluated: 2019-11-12. Review status: criteria provided, single submitter. Criteria: Ambry Variant Classification Scheme 2023. Collection method: clinical testing. Allele origin: germline.
Comment: The p.E234K variant (also known as c.700G>A), located in coding exon 4 of the BICD2 gene, results from a G to A substitution at nucleotide position 700. The glutamic acid at codon 234 is replaced by lysine, an amino acid with similar properties. This amino acid position is highly conserved in available vertebrate species. In addition, the in silico prediction for this alteration is inconclusive. Since supporting evidence is limited at this time, the clinical significance of this alteration remains unclear.